The following is an entry in ClinVar:

NM_000352.6(ABCC8):c.1813G>A (p.Val605Met)

Gene: ABCC8 (ATP binding cassette subfamily C member 8; minus strand). Cytogenetic location: 11p15.1.
Variant type: single nucleotide variant.
Coding change: c.1813G>A on transcript NM_000352.6 (MANE Select); coding-DNA position 1813, G replaced by A.
Protein change: p.Val605Met; replaces valine 605 with methionine.
Molecular consequence: missense variant. On other transcripts: non-coding transcript variant (1).
Genome position (GRCh38, 1-based): chr11:17,430,818, C>T on the plus strand (G>A on the coding strand, the complement: ABCC8 is on the minus strand). VCF-style: chr11-17430818-C-T. GRCh37 (hg19) VCF-style: chr11-17452365-C-T.
Other names: c.1813G>A, p.Val605Met (NM_001287174.3, NM_001351295.2); c.1810G>A, p.Val604Met (NM_001351296.2, NM_001351297.2); short protein forms V604M, V605M.
Identifiers: ClinVar variation 3599386 (VCV003599386.3).

ClinVar aggregate classification (germline): Uncertain significance. Review status: criteria provided, multiple submitters, no conflicts (2 of 4 stars). 2 submissions from 2 submitters: Uncertain significance (2). Last evaluated 2024-11-03.

Conditions:
Type 2 diabetes mellitus. Also called: Type II diabetes mellitus. Identifiers: MedGen C0011860, MeSH D003924, MONDO:0005148, OMIM 125853, HP:0005978.
Leucine-induced hypoglycemia (LIH). Also called: LEUCINE-SENSITIVE HYPOGLYCEMIA OF INFANCY. Identifiers: MedGen C0271714, MONDO:0009415, OMIM 240800.
Diabetes mellitus, permanent neonatal 3. Also called: ABCC8-Related Permanent Neonatal Diabetes Mellitus. Identifiers: MedGen C5394303, MONDO:0030088, OMIM 618857.
Diabetes mellitus, transient neonatal, 2 (TNDM2). Identifiers: Orphanet 99886, MedGen C1835887, MONDO:0012480, OMIM 610374. Disease mechanism: loss of function.
Hyperinsulinemic hypoglycemia, familial, 1 (HHF1). Also called: NESIDIOBLASTOSIS OF PANCREAS; Persistent hyperinsulinemic hypoglycemia of infancy; HYPERINSULINISM, FAMILIAL, WITH PANCREATIC NESIDIOBLASTOSIS; HYPOGLYCEMIA, HYPERINSULINEMIC, OF INFANCY; Persistent Hyperinsulinemia Hypoglycemia of Infancy. Identifiers: Orphanet 276575, Orphanet 276598, MedGen C2931832, MONDO:0009734, OMIM 256450.

gnomAD v4.1: 2 of 1,614,208 alleles (0.00012%); highest among the groups gnomAD compares: Admixed American, 0.0033%; no homozygotes.

Submissions (2):

Labcorp Genetics (formerly Invitae), Labcorp
Classification: Uncertain significance. Last evaluated: 2024-11-03. Review status: criteria provided, single submitter. Criteria: Invitae Variant Classification Sherloc (09022015). Collection method: clinical testing. Allele origin: germline.
Comment: This sequence change replaces valine, which is neutral and non-polar, with methionine, which is neutral and non-polar, at codon 605 of the ABCC8 protein (p.Val605Met). This variant is present in population databases (no rsID available, gnomAD 0.003%). This variant has not been reported in the literature in individuals affected with ABCC8-related conditions. Invitae Evidence Modeling of protein sequence and biophysical properties (such as structural, functional, and spatial information, amino acid conservation, physicochemical variation, residue mobility, and thermodynamic stability) indicates that this missense variant is expected to disrupt ABCC8 protein function with a positive predictive value of 95%. In summary, the available evidence is currently insufficient to determine the role of this variant in disease. Therefore, it has been classified as a Variant of Uncertain Significance.

Fulgent Genetics
Classification: Uncertain significance for Type 2 diabetes mellitus; Leucine-induced hypoglycemia; Hyperinsulinemic hypoglycemia, familial, 1; Diabetes mellitus, transient neonatal, 2; Diabetes mellitus, permanent neonatal 3. Last evaluated: 2024-04-15. Review status: criteria provided, single submitter. Criteria: ACMG Guidelines, 2015. Collection method: clinical testing. Allele origin: germline.